The following is an entry in ClinVar:

NM_013339.4(ALG6):c.634dup (p.Cys212fs)

Gene: ALG6 (ALG6 alpha-1,3-glucosyltransferase; plus strand). Cytogenetic location: 1p31.3.
Variant type: Duplication.
Coding change: c.634dup on transcript NM_013339.4 (MANE Select); coding-DNA position 634, one base duplicated (T; older notation c.634dupT).
Protein change: p.Cys212fs; shifts the reading frame from cysteine 212.
Molecular consequence: frameshift variant.
Genome position (GRCh38, 1-based): chr1:63,411,285, T duplicated; the last of 7 consecutive T bases (chr1:63,411,279-63,411,285); duplicating any one gives the same sequence. VCF-style (leftmost placement, unchanged base first): chr1-63411278-A-AT. GRCh37 (hg19) VCF-style: chr1-63876949-A-AT.
Other names: c.634dup, p.Cys212fs (LRG_1260t1); c.634dup (NM_013339.3); short protein forms C212fs.
Identifiers: ClinVar variation 422234 (VCV000422234.14), dbSNP rs879133727, ClinGen allele CA16617176.

ClinVar aggregate classification (germline): Pathogenic/Likely pathogenic. Review status: criteria provided, multiple submitters, no conflicts (2 of 4 stars). 4 submissions from 4 submitters: Pathogenic (1); Likely pathogenic (3). Last evaluated 2025-08-06.

Conditions:
ALG6-congenital disorder of glycosylation 1C (CDG1C). Also called: CDG Ic; Congenital disorder of glycosylation, type Ic; CARBOHYDRATE-DEFICIENT GLYCOPROTEIN SYNDROME, TYPE I, WITH DEFICIENT GLYCOSYLATION OF DOLICHOL-LINKED OLIGOSACCHARIDE; CARBOHYDRATE-DEFICIENT GLYCOPROTEIN SYNDROME, TYPE V; Congenital disorder of glycosylation type 1C. Identifiers: Orphanet 79320, MedGen C2930997, MONDO:0011291, OMIM 603147.

Submissions (4):

GeneDx
Classification: Likely pathogenic. Last evaluated: 2025-08-06. Review status: criteria provided, single submitter. Criteria: GeneDx Variant Classification Process June 2021. Collection method: clinical testing. Allele origin: germline. Affected: yes.
Comment: Frameshift variant predicted to result in protein truncation or nonsense mediated decay in a gene for which loss of function is a known mechanism of disease; Not observed at significant frequency in large population cohorts (gnomAD); Has not been previously published as pathogenic or benign to our knowledge

Natera, Inc.
Classification: Likely pathogenic for Congenital disorder of glycosylation type 1c. Last evaluated: 2025-04-17. Review status: criteria provided, single submitter. Criteria: Natera Variant Classification Schema (03/2026). Collection method: clinical testing. Allele origin: germline.
Comment: The c.634dupT variant in ALG6 is a frameshift variant predicted to shift the reading frame beginning at codon 212 and leads to a stop codon 9 codons downstream. This variant is expected to result in nonsense mediated decay, truncation, or a dysfunctional protein product. This variant is rare in the general population with a frequency below the threshold expected for the associated phenotype(s). Given the available evidence, this variant is classified as Likely Pathogenic.

Fulgent Genetics
Classification: Likely pathogenic for ALG6-congenital disorder of glycosylation 1C. Last evaluated: 2024-06-14. Review status: criteria provided, single submitter. Criteria: ACMG Guidelines, 2015. Collection method: clinical testing. Allele origin: germline.

Labcorp Genetics (formerly Invitae), Labcorp
Classification: Pathogenic for ALG6-congenital disorder of glycosylation 1C. Last evaluated: 2023-11-09. Review status: criteria provided, single submitter. Criteria: Invitae Variant Classification Sherloc (09022015). Collection method: clinical testing. Allele origin: germline.
Comment: This sequence change creates a premature translational stop signal (p.Cys212Leufs*9) in the ALG6 gene. It is expected to result in an absent or disrupted protein product. Loss-of-function variants in ALG6 are known to be pathogenic (PMID: 19862844). This variant is present in population databases (no rsID available, gnomAD 0.0009%). This variant has not been reported in the literature in individuals affected with ALG6-related conditions. ClinVar contains an entry for this variant (Variation ID: 422234). For these reasons, this variant has been classified as Pathogenic.

Literature cited by the submitters: PubMed 19862844 (cited by Labcorp Genetics (formerly Invitae), Labcorp).